The following is an entry in ClinVar:

NM_005228.5(EGFR):c.2484G>A (p.Leu828=)

Gene: EGFR (epidermal growth factor receptor; plus strand). Cytogenetic location: 7p11.2.
Variant type: single nucleotide variant.
Coding change: c.2484G>A on transcript NM_005228.5 (MANE Select); coding-DNA position 2484, G replaced by A.
Protein change: p.Leu828=; no amino-acid change (leucine 828 retained).
Molecular consequence: synonymous variant.
Genome position (GRCh38, 1-based): chr7:55,191,733, G>A. VCF-style: chr7-55191733-G-A. GRCh37 (hg19) VCF-style: chr7-55259426-G-A.
Other names: c.2349G>A, p.Leu783= (NM_001346897.2, NM_001346899.2); c.2484G>A, p.Leu828= (NM_001346898.2); c.2325G>A, p.Leu775= (NM_001346900.2); c.1683G>A, p.Leu561= (NM_001346941.2).
Identifiers: ClinVar variation 177759 (VCV000177759.6), dbSNP rs727504312, ClinGen allele CA180716.

ClinVar aggregate classification (germline): Benign/Likely benign. Review status: criteria provided, multiple submitters, no conflicts (2 of 4 stars). 3 submissions from 3 submitters: Benign (1); Likely benign (1). 1 of the submissions does not count toward it. Last evaluated 2025-04-18.

Conditions:
Lung cancer. Also called: Malignant tumor of lung; Lung cancer, somatic. Identifiers: MedGen C0242379, MONDO:0008903, OMIM 211980.
Hereditary cancer-predisposing syndrome. Also called: Hereditary Cancer Syndrome; Neoplastic Syndromes, Hereditary; Tumor predisposition; Hereditary neoplastic syndrome. Identifiers: Orphanet 140162, MedGen C0027672, MeSH D009386, MONDO:0015356.

Allele frequency attached by ClinVar (database versions not stated): gnomAD exomes below 0.00001; ExAC 0.00001; gnomAD 0.00001; TOPMed 0.00002.
gnomAD v4.1: 1 of 1,613,816 alleles (0.000062%); highest among the groups gnomAD compares: East Asian, 0.0022%; no homozygotes.

Submissions (3):

Ambry Genetics
Classification: Likely benign for Hereditary cancer-predisposing syndrome. Last evaluated: 2025-04-18. Review status: criteria provided, single submitter. Criteria: Ambry Variant Classification Scheme 2023. Collection method: clinical testing. Allele origin: germline.

Myriad Genetics, Inc.
Classification: Benign for Lung cancer. Last evaluated: 2024-10-17. Review status: criteria provided, single submitter. Criteria: Myriad Autosomal Dominant, Autosomal Recessive and X-Linked Classification Criteria (2023). Collection method: clinical testing. Allele origin: unknown.
Comment: This variant is considered benign. This variant is a silent/synonymous amino acid change and it is not expected to impact splicing.

Laboratory for Molecular Medicine, Mass General Brigham Personalized Medicine
Classification: Likely benign. Last evaluated: 2007-04-16. Review status: no assertion criteria provided. Collection method: clinical testing. Allele origin: somatic. Observed: 1 variant allele. Not counted in ClinVar's aggregate classification.